The following is an entry in ClinVar:

ClinVar aggregate classification (germline): Uncertain significance (1 of 4 stars; one submission).

Allele frequency attached by ClinVar (database versions not stated): gnomAD exomes below 0.00001; TOPMed below 0.00001; gnomAD 0.00001.
gnomAD v4.1: 4 of 1,613,420 alleles (0.00025%); highest among the groups gnomAD compares: Non-Finnish European, 0.00034%; no homozygotes.

Submission:

Labcorp Genetics (formerly Invitae), Labcorp
Classification: Uncertain significance. Last evaluated: 2021-12-01. Review status: criteria provided, single submitter. Criteria: Invitae Variant Classification Sherloc (09022015). Collection method: clinical testing. Allele origin: germline.
Comment: Algorithms developed to predict the effect of missense changes on protein structure and function (SIFT, PolyPhen-2, Align-GVGD) all suggest that this variant is likely to be disruptive. In summary, the available evidence is currently insufficient to determine the role of this variant in disease. Therefore, it has been classified as a Variant of Uncertain Significance. This variant has not been reported in the literature in individuals affected with MPDZ-related conditions. This sequence change replaces valine, which is neutral and non-polar, with isoleucine, which is neutral and non-polar, at codon 754 of the MPDZ protein (p.Val754Ile). This variant is present in population databases (no rsID available, gnomAD 0.0009%).

NM_001378778.1(MPDZ):c.2260G>A (p.Val754Ile)

Gene: MPDZ (multiple PDZ domain crumbs cell polarity complex component; minus strand). Cytogenetic location: 9p23.
Variant type: single nucleotide variant.
Coding change: c.2260G>A on transcript NM_001378778.1 (MANE Select); coding-DNA position 2260, G replaced by A.
Protein change: p.Val754Ile; replaces valine 754 with isoleucine.
Molecular consequence: missense variant.
Genome position (GRCh38, 1-based): chr9:13,188,888, C>T on the plus strand (G>A on the coding strand, the complement: MPDZ is on the minus strand). VCF-style: chr9-13188888-C-T. GRCh37 (hg19) VCF-style: chr9-13188887-C-T.
Other names: c.2260G>A, p.Val754Ile (NM_001261406.2, NM_001261407.2, NM_001375424.1 and 14 more transcripts); short protein forms V754I.
Identifiers: ClinVar variation 1395968 (VCV001395968.6), dbSNP rs1288216260, ClinGen allele CA372937555.
Genomic context (GRCh38, chr9:13,188,888, plus strand): 5'-CTCCCTTCAGTGCTTCTACAGCTTCCTCAAGACTGCTGTTTTCCAAGTTAACATCGTTTA[C>T]AAACATGAGTCGGTCACCAGGAAGAAGTCGTCCATCCTTTTCAGCAATGCCGCCAGGCAC-3'
Protein context (NP_001365707.1, residues 744-764): RLLPGDRLMF[Val754Ile]NDVNLENSSL